The following is an entry in ClinVar:

NM_003011.4(SET):c.308C>G (p.Ala103Gly)

Gene: SET (SET nuclear proto-oncogene; plus strand). Cytogenetic location: 9q34.11.
Variant type: single nucleotide variant.
Coding change: c.308C>G on transcript NM_003011.4 (MANE Select); coding-DNA position 308, C replaced by G.
Protein change: p.Ala103Gly; replaces alanine 103 with glycine.
Molecular consequence: missense variant.
Genome position (GRCh38, 1-based): chr9:128,692,695, C>G. VCF-style: chr9-128692695-C-G. GRCh37 (hg19) VCF-style: chr9-131454974-C-G.
Other names: c.347C>G, p.Ala116Gly (NM_001122821.2, NM_001374326.1); c.281C>G, p.Ala94Gly (NM_001248000.2); c.275C>G, p.Ala92Gly (NM_001248001.2); short protein forms A103G, A116G, A92G, A94G.
Identifiers: ClinVar variation 4072778 (VCV004072778.1).

ClinVar aggregate classification (germline): Uncertain significance (1 of 4 stars; one submission).

Submission:

GeneDx
Classification: Uncertain significance. Last evaluated: 2025-01-31. Review status: criteria provided, single submitter. Criteria: GeneDx Variant Classification Process June 2021. Collection method: clinical testing. Allele origin: germline. Affected: yes.
Comment: Not observed at significant frequency in large population cohorts (gnomAD); In silico analysis supports that this missense variant has a deleterious effect on protein structure/function; Has not been previously published as pathogenic or benign to our knowledge